The following is an entry in ClinVar:

NM_001966.4(EHHADH):c.1379T>G (p.Met460Arg)

Gene: EHHADH (enoyl-CoA hydratase and 3-hydroxyacyl CoA dehydrogenase; minus strand). Cytogenetic location: 3q27.2.
Variant type: single nucleotide variant.
Coding change: c.1379T>G on transcript NM_001966.4 (MANE Select); coding-DNA position 1379, T replaced by G.
Protein change: p.Met460Arg; replaces methionine 460 with arginine.
Molecular consequence: missense variant.
Genome position (GRCh38, 1-based): chr3:185,193,019, A>C on the plus strand (T>G on the coding strand, the complement: EHHADH is on the minus strand). VCF-style: chr3-185193019-A-C. GRCh37 (hg19) VCF-style: chr3-184910807-A-C.
Other names: c.1091T>G, p.Met364Arg (NM_001166415.2); short protein forms M460R, M364R.
Identifiers: ClinVar variation 4982581 (VCV004982581.1).

ClinVar aggregate classification (germline): Uncertain significance (1 of 4 stars; one submission).

Conditions:
EHHADH-related disorder. Also called: EHHADH-related condition.

gnomAD v4.1: 4 of 1,614,140 alleles (0.00025%); highest among the groups gnomAD compares: African/African-American, 0.0027%; no homozygotes.

Submission:

PreventionGenetics, part of Exact Sciences
Classification: Uncertain significance for EHHADH-related condition. Last evaluated: 2025-01-28. Review status: criteria provided, single submitter. Criteria: ACMG Guidelines, 2015. Collection method: clinical testing. Allele origin: germline.
Comment: The EHHADH c.1379T>G variant is predicted to result in the amino acid substitution p.Met460Arg. To our knowledge, this variant has not been reported in the literature or in a large population database (gnomAD), indicating this variant is rare. At this time, the clinical significance of this variant is uncertain due to the absence of conclusive functional and genetic evidence.